The following is an entry in ClinVar:

ClinVar aggregate classification (germline): Uncertain significance. Review status: criteria provided, multiple submitters, no conflicts (2 of 4 stars). 2 submissions from 2 submitters: Uncertain significance (2). Last evaluated 2024-11-14.

Conditions:
Maturity-onset diabetes of the young type 13. Also called: MODY, TYPE 13. Identifiers: Orphanet 552, MedGen C4225365, MONDO:0014589, OMIM 616329.

Submissions (2):

Genomics Laboratory, Virgen de la Arrixaca University Clinical Hospital
Classification: Uncertain significance for Maturity-onset diabetes of the young type 13. Last evaluated: 2024-11-14. Review status: criteria provided, single submitter. Criteria: ACMG Guidelines, 2015. Collection method: clinical testing. Allele origin: de novo. Affected: yes. Observed: 1 variant allele.

Women's Health and Genetics/Laboratory Corporation of America, LabCorp
Classification: Uncertain significance. Last evaluated: 2024-06-26. Review status: criteria provided, single submitter. Criteria: LabCorp Variant Classification Summary - May 2015. Collection method: clinical testing. Allele origin: germline.
Comment: Variant summary: KCNJ11 c.*14G>A is located in the untranslated mRNA region downstream of the termination codon. The variant allele was found at a frequency of 0.00013 in 1606922 control chromosomes in the gnomAD database, including 1 homozygote (gnomAD v.4.1.0). This frequency is not significantly higher than estimated for a pathogenic variant in KCNJ11 causing Congenital Hyperinsulinism (0.00013 vs 0.0011), allowing no conclusion about variant significance. To our knowledge, no occurrence of c.*14G>A in individuals affected with congenital hyperinsulinism and no experimental evidence demonstrating its impact on protein function have been reported. No submitters have cited clinical-significance assessments for this variant to ClinVar. Based on the evidence outlined above, the variant was classified as uncertain significance.

NM_000525.4(KCNJ11):c.*14G>A

Gene: KCNJ11 (potassium inwardly rectifying channel subfamily J member 11; minus strand). Cytogenetic location: 11p15.1.
Variant type: single nucleotide variant.
Coding change: c.*14G>A on transcript NM_000525.4 (MANE Select); 14 bases downstream of the stop codon, G replaced by A.
Molecular consequence: 3 prime UTR variant.
Genome position (GRCh38, 1-based): chr11:17,386,905, C>T on the plus strand (G>A on the coding strand, the complement: KCNJ11 is on the minus strand). VCF-style: chr11-17386905-C-T. GRCh37 (hg19) VCF-style: chr11-17408452-C-T.
Other names: c.*14G>A (NM_001166290.2, NM_001377296.1, NM_001377297.1).
Identifiers: ClinVar variation 3339659 (VCV003339659.3).